The following is an entry in ClinVar:

NM_000548.5(TSC2):c.2592G>A (p.Gln864=)

Gene: TSC2 (TSC complex subunit 2; plus strand). Cytogenetic location: 16p13.3.
Variant type: single nucleotide variant.
Coding change: c.2592G>A on transcript NM_000548.5 (MANE Select); coding-DNA position 2592, G replaced by A.
Protein change: p.Gln864=; no amino-acid change (glutamine 864 retained).
Molecular consequence: synonymous variant. On other transcripts: non-coding transcript variant (5).
Genome position (GRCh38, 1-based): chr16:2,075,845, G>A. VCF-style: chr16-2075845-G-A. GRCh37 (hg19) VCF-style: chr16-2125846-G-A.
Other names: c.2592G>A, p.Gln864= (NM_001077183.3, NM_001114382.3, NM_001363528.2 and 6 more transcripts); c.2481G>A, p.Gln827= (NM_001318827.2, NM_001406670.1, NM_001406678.1); c.2445G>A, p.Gln815= (NM_001318829.2, NM_001406675.1, NM_001406676.1 and 1 more transcripts); c.1992G>A, p.Gln664= (NM_001318831.2, NM_001406680.1, NM_001406682.1 and 6 more transcripts); c.2625G>A, p.Gln875= (NM_001318832.2); c.2682G>A, p.Gln894= (NM_001406667.1, NM_001406668.1); c.2580G>A, p.Gln860= (NM_001406671.1, NM_001406673.1); c.2535G>A, p.Gln845= (NM_001406677.1); and 3 more.
Identifiers: ClinVar variation 1692491 (VCV001692491.8), dbSNP rs763099064, ClinGen allele CA492953483.

ClinVar aggregate classification (germline): Conflicting classifications of pathogenicity. Review status: criteria provided, conflicting classifications (1 of 4 stars). 4 submissions from 4 submitters: Uncertain significance (1); Benign (1); Likely benign (2). Last evaluated 2025-08-31.

Conditions:
Hereditary cancer-predisposing syndrome. Also called: Neoplastic Syndromes, Hereditary; Hereditary Cancer Syndrome; Tumor predisposition; Hereditary neoplastic syndrome. Identifiers: Orphanet 140162, MedGen C0027672, MeSH D009386, MONDO:0015356.
Tuberous sclerosis 2 (TSC2). Identifiers: Orphanet 805, MedGen C1860707, MONDO:0013199, OMIM 613254.

Submissions (4):

Ambry Genetics
Classification: Likely benign for Hereditary cancer-predisposing syndrome. Last evaluated: 2025-08-31. Review status: criteria provided, single submitter. Criteria: Ambry Variant Classification Scheme 2023. Collection method: clinical testing. Allele origin: germline.

Myriad Genetics, Inc.
Classification: Benign for Tuberous sclerosis 2. Last evaluated: 2025-05-20. Review status: criteria provided, single submitter. Criteria: Myriad Autosomal Dominant, Autosomal Recessive and X-Linked Classification Criteria (2023). Collection method: clinical testing. Allele origin: unknown.
Comment: This variant is considered benign. This variant is a silent/synonymous amino acid change and it is not expected to impact splicing.

Labcorp Genetics (formerly Invitae), Labcorp
Classification: Likely benign for Tuberous sclerosis 2. Last evaluated: 2022-09-20. Review status: criteria provided, single submitter. Criteria: Invitae Variant Classification Sherloc (09022015). Collection method: clinical testing. Allele origin: germline.

Sema4
Classification: Uncertain significance for Hereditary cancer-predisposing syndrome. Last evaluated: 2021-06-29. Review status: criteria provided, single submitter. Criteria: Sema4 Curation Guidelines. Collection method: curation. Allele origin: germline.
Comment: The TSC2 c.2592G>A (p.Q864=) variant has not been reported in the literature to our knowledge. It was not observed in the large and broad cohorts of the Genome Aggregation Database (PMID: 32461654). The variant has not been reported in ClinVar. In silico tools suggest the variant may potentially have an impact on splicing, though these predictions have not been confirmed by functional studies. The evidence is insufficient to meet ACMG/AMP criteria for classifying the variant as benign or pathogenic. Thus, the clinical significance of this variant is currently uncertain.